The following is an entry in ClinVar:

ClinVar aggregate classification (germline): Pathogenic (1 of 4 stars; one submission).

Conditions:
Joubert syndrome. Also called: CEREBELLOPARENCHYMAL DISORDER IV; JOUBERT-BOLTSHAUSER SYNDROME; Familial aplasia of the vermis. Identifiers: Orphanet 475, MedGen C5979921, MONDO:0018772.
Nephronophthisis. Also called: Juvenile Nephronophthisis. Identifiers: Orphanet 655, MedGen C0687120, MONDO:0019005, HP:0000090.
Meckel-Gruber syndrome. Also called: DYSENCEPHALIA SPLANCHNOCYSTICA; GRUBER SYNDROME; Dysencephalia splachnocystica. Identifiers: Orphanet 564, MedGen C0265215, MONDO:0018921.

Submission:

Labcorp Genetics (formerly Invitae), Labcorp
Classification: Pathogenic for Joubert syndrome; Meckel-Gruber syndrome; Nephronophthisis. Last evaluated: 2020-12-02. Review status: criteria provided, single submitter. Criteria: Invitae Variant Classification Sherloc (09022015). Collection method: clinical testing. Allele origin: germline.
Comment: This sequence change creates a premature translational stop signal (p.Glu440*) in the CEP290 gene. It is expected to result in an absent or disrupted protein product. Loss-of-function variants in CEP290 are known to be pathogenic (PMID: 16909394, 17345604, 20690115, 25377065, 28559085). For these reasons, this variant has been classified as Pathogenic. This variant has not been reported in the literature in individuals with CEP290-related conditions. This variant is not present in population databases (ExAC no frequency).

Literature cited by the submitters: PubMed 16909394; PubMed 17345604; PubMed 20690115; PubMed 25377065; PubMed 28559085.

NM_025114.4(CEP290):c.1318G>T (p.Glu440Ter)

Gene: CEP290 (centrosomal protein 290; minus strand). Cytogenetic location: 12q21.32.
Variant type: single nucleotide variant.
Coding change: c.1318G>T on transcript NM_025114.4 (MANE Select); coding-DNA position 1318, G replaced by T.
Protein change: p.Glu440Ter; replaces glutamic acid 440 with a stop codon.
Molecular consequence: nonsense.
Genome position (GRCh38, 1-based): chr12:88,121,038, C>A on the plus strand (G>T on the coding strand, the complement: CEP290 is on the minus strand). VCF-style: chr12-88121038-C-A. GRCh37 (hg19) VCF-style: chr12-88514815-C-A.
Other names: short protein forms E440*.
Identifiers: ClinVar variation 1396034 (VCV001396034.6), dbSNP rs2137917114, ClinGen allele CA385980471.